The following is an entry in ClinVar:

ClinVar aggregate classification (germline): Uncertain significance (1 of 4 stars; one submission).

Allele frequency attached by ClinVar (database versions not stated): TOPMed below 0.00001; gnomAD 0.00001; gnomAD exomes 0.00002 and 0.00004; ExAC 0.00004.
gnomAD v4.1: 29 of 1,613,884 alleles (0.0018%); highest among the groups gnomAD compares: Middle Eastern, 0.016%; no homozygotes.

Submission:

Labcorp Genetics (formerly Invitae), Labcorp
Classification: Uncertain significance. Last evaluated: 2022-10-02. Review status: criteria provided, single submitter. Criteria: Invitae Variant Classification Sherloc (09022015). Collection method: clinical testing. Allele origin: germline.
Comment: This sequence change replaces alanine, which is neutral and non-polar, with valine, which is neutral and non-polar, at codon 205 of the GORAB protein (p.Ala205Val). This variant is present in population databases (rs770077182, gnomAD 0.02%). This variant has not been reported in the literature in individuals affected with GORAB-related conditions. ClinVar contains an entry for this variant (Variation ID: 1511331). Algorithms developed to predict the effect of missense changes on protein structure and function are either unavailable or do not agree on the potential impact of this missense change (SIFT: "Deleterious"; PolyPhen-2: "Probably Damaging"; Align-GVGD: "Class C0"). Algorithms developed to predict the effect of sequence changes on RNA splicing suggest that this variant may create or strengthen a splice site. In summary, the available evidence is currently insufficient to determine the role of this variant in disease. Therefore, it has been classified as a Variant of Uncertain Significance.

NM_152281.3(GORAB):c.539C>T (p.Ala180Val)

Gene: GORAB (golgin, RAB6 interacting; plus strand). Cytogenetic location: 1q24.2.
Variant type: single nucleotide variant.
Coding change: c.539C>T on transcript NM_152281.3 (MANE Select); coding-DNA position 539, C replaced by T.
Protein change: p.Ala180Val; replaces alanine 180 with valine.
Molecular consequence: missense variant. On other transcripts: non-coding transcript variant (1).
Genome position (GRCh38, 1-based): chr1:170,544,722, C>T. VCF-style: chr1-170544722-C-T. GRCh37 (hg19) VCF-style: chr1-170513863-C-T.
Other names: c.539C>T, p.Ala180Val (NM_001146039.2); c.74C>T, p.Ala25Val (NM_001320252.2); short protein forms A180V, A25V.
Identifiers: ClinVar variation 1511331 (VCV001511331.3), dbSNP rs770077182, ClinGen allele CA1239172.